The following is an entry in ClinVar:

ClinVar aggregate classification (germline): Uncertain significance (1 of 4 stars; one submission).

Conditions:
Familial cancer of breast. Also called: Hereditary breast cancer; BREAST CANCER, FAMILIAL; hereditary breast carcinoma. Identifiers: Orphanet 227535, MedGen C0346153, MONDO:0016419, OMIM 114480. Disease mechanism: loss of function.

Submission:

Labcorp Genetics (formerly Invitae), Labcorp
Classification: Uncertain significance for Familial cancer of breast. Last evaluated: 2022-01-02. Review status: criteria provided, single submitter. Criteria: Invitae Variant Classification Sherloc (09022015). Collection method: clinical testing. Allele origin: germline.
Comment: This sequence change replaces phenylalanine, which is neutral and non-polar, with serine, which is neutral and polar, at codon 238 of the CHEK2 protein (p.Phe238Ser). This variant has not been reported in the literature in individuals affected with CHEK2-related conditions. This variant is not present in population databases (gnomAD no frequency). Algorithms developed to predict the effect of missense changes on protein structure and function are either unavailable or do not agree on the potential impact of this missense change (SIFT: "Deleterious"; PolyPhen-2: "Probably Damaging"; Align-GVGD: "Class C0"). In summary, the available evidence is currently insufficient to determine the role of this variant in disease. Therefore, it has been classified as a Variant of Uncertain Significance.

NM_007194.4(CHEK2):c.713T>C (p.Phe238Ser)

Gene: CHEK2 (checkpoint kinase 2; minus strand). Cytogenetic location: 22q12.1.
Variant type: single nucleotide variant.
Coding change: c.713T>C on transcript NM_007194.4 (MANE Select); coding-DNA position 713, T replaced by C.
Protein change: p.Phe238Ser; replaces phenylalanine 238 with serine.
Molecular consequence: missense variant.
Genome position (GRCh38, 1-based): chr22:28,711,988, A>G on the plus strand (T>C on the coding strand, the complement: CHEK2 is on the minus strand). VCF-style: chr22-28711988-A-G. GRCh37 (hg19) VCF-style: chr22-29107976-A-G.
Other names: c.842T>C, p.Phe281Ser (NM_001005735.3); c.50T>C, p.Phe17Ser (NM_001257387.3); c.512T>C, p.Phe171Ser (NM_001349956.3); c.713T>C, p.Phe238Ser (NM_145862.3); short protein forms F17S, F171S, F238S, F281S.
Identifiers: ClinVar variation 1427495 (VCV001427495.7), dbSNP rs2145951876, ClinGen allele CA411103402.
Genomic context (GRCh38, chr22:28,711,988, plus strand): 5'-ATAGCAAACTTCCTTTTGCTGATGATCTTTATGGCTACTTTCTTACATGTTTTCCTCTCG[A>G]AAGCCAGCTTTACCTCTCCACAGGCACCACTAGAGGGAAAAACAAAGATAGTGATTGTCT-3'
Protein context (NP_009125.1, residues 228-248): SGACGEVKLA[Phe238Ser]ERKTCKKVAI